The following is an entry in ClinVar:

NM_003924.4(PHOX2B):c.862G>A (p.Gly288Arg)

Gene: PHOX2B (paired like homeobox 2B; minus strand). Cytogenetic location: 4p13.
Variant type: single nucleotide variant.
Coding change: c.862G>A on transcript NM_003924.4 (MANE Select); coding-DNA position 862, G replaced by A.
Protein change: p.Gly288Arg; replaces glycine 288 with arginine.
Molecular consequence: missense variant.
Genome position (GRCh38, 1-based): chr4:41,745,890, C>T on the plus strand (G>A on the coding strand, the complement: PHOX2B is on the minus strand). VCF-style: chr4-41745890-C-T. GRCh37 (hg19) VCF-style: chr4-41747907-C-T.
Other names: short protein forms G288R.
Identifiers: ClinVar variation 2837400 (VCV002837400.4), dbSNP rs2552096772, ClinGen allele CA356736954.

ClinVar aggregate classification (germline): Uncertain significance. Review status: criteria provided, multiple submitters, no conflicts (2 of 4 stars). 2 submissions from 2 submitters: Uncertain significance (2). Last evaluated 2025-04-09.

Conditions:
Hereditary cancer-predisposing syndrome. Also called: Tumor predisposition; Neoplastic Syndromes, Hereditary; Hereditary Cancer Syndrome; Hereditary neoplastic syndrome. Identifiers: Orphanet 140162, MedGen C0027672, MeSH D009386, MONDO:0015356.
Haddad syndrome (OHD). Also called: Ondine-Hirschsprung disease. Identifiers: Orphanet 99803, MedGen C1859049, MONDO:0020493.

Allele frequency attached by ClinVar (database versions not stated): gnomAD exomes below 0.00001.
gnomAD v4.1: 3 of 1,608,396 alleles (0.00019%); highest among the groups gnomAD compares: South Asian, 0.0022%; no homozygotes.

Submissions (2):

Ambry Genetics
Classification: Uncertain significance for Hereditary cancer-predisposing syndrome. Last evaluated: 2025-04-09. Review status: criteria provided, single submitter. Criteria: Ambry Variant Classification Scheme 2023. Collection method: clinical testing. Allele origin: germline.
Comment: The p.G288R variant (also known as c.862G>A), located in coding exon 3 of the PHOX2B gene, results from a G to A substitution at nucleotide position 862. The glycine at codon 288 is replaced by arginine, an amino acid with dissimilar properties. This amino acid position is conserved. In addition, the in silico prediction for this alteration is inconclusive. Based on the available evidence, the clinical significance of this variant remains unclear.

Labcorp Genetics (formerly Invitae), Labcorp
Classification: Uncertain significance for Haddad syndrome. Last evaluated: 2023-02-14. Review status: criteria provided, single submitter. Criteria: Invitae Variant Classification Sherloc (09022015). Collection method: clinical testing. Allele origin: germline.
Comment: This sequence change replaces glycine, which is neutral and non-polar, with arginine, which is basic and polar, at codon 288 of the PHOX2B protein (p.Gly288Arg). This variant is not present in population databases (gnomAD no frequency). This variant has not been reported in the literature in individuals affected with PHOX2B-related conditions. Algorithms developed to predict the effect of missense changes on protein structure and function are either unavailable or do not agree on the potential impact of this missense change (SIFT: "Deleterious"; PolyPhen-2: "Not Available"; Align-GVGD: "Class C15"). In summary, the available evidence is currently insufficient to determine the role of this variant in disease. Therefore, it has been classified as a Variant of Uncertain Significance.